The following is an entry in ClinVar:

ClinVar aggregate classification (germline): Benign (1 of 4 stars; one submission).

Allele frequency attached by ClinVar (database versions not stated): TOPMed 0.44982; gnomAD 0.45289 and 0.45909; 1000 Genomes Project 30x 0.47299; 1000 Genomes Project 0.47983.
gnomAD v4.1: 69,848 of 152,022 alleles (46%); highest among the groups gnomAD compares: East Asian, 62%; 16,980 homozygotes.

Submission:

GeneDx
Classification: Benign. Last evaluated: 2020-02-18. Review status: criteria provided, single submitter. Criteria: GeneDx Variant Classification Process June 2021. Collection method: clinical testing. Allele origin: germline. Affected: yes.
Comment: This variant is associated with the following publications: (PMID: 30181159)

NM_001001974.4(PLEKHA1):c.342+1323C>T

Gene: PLEKHA1 (pleckstrin homology domain containing A1; plus strand). Cytogenetic location: 10q26.13.
Variant type: single nucleotide variant.
Coding change: c.342+1323C>T on transcript NM_001001974.4 (MANE Select); 1323 bases into the intron after coding-DNA position 342, C replaced by T.
Molecular consequence: intron variant.
Genome position (GRCh38, 1-based): chr10:122,407,996, C>T. VCF-style: chr10-122407996-C-T. GRCh37 (hg19) VCF-style: chr10-124167512-C-T.
Other names: c.342+1323C>T (NM_001377244.1, NM_001377235.1, NM_001377232.1 and 17 more transcripts); c.199-4924C>T (NM_001377254.1, NM_001377255.1, NM_001377257.1 and 2 more transcripts); c.309+1356C>T (NM_001377251.1, NM_001377247.1); c.282+1323C>T (NM_001377249.1); c.216+1323C>T (NM_001377256.1).
Identifiers: ClinVar variation 1238542 (VCV001238542.3), dbSNP rs2421016, ClinGen allele CA13172108.